The following is an entry in ClinVar:

ClinVar aggregate classification (germline): Likely benign. Review status: criteria provided, multiple submitters, no conflicts (2 of 4 stars). 3 submissions from 3 submitters: Likely benign (3). Last evaluated 2026-02-01.

Conditions:
TCIRG1-related disorder. Also called: TCIRG1-related condition.

Allele frequency attached by ClinVar (database versions not stated): gnomAD 0.00006 and 0.00015; TOPMed 0.00007; ExAC 0.00035; gnomAD exomes 0.00036; 1000 Genomes Project 0.00040; 1000 Genomes Project 30x 0.00047.
gnomAD v4.1: 288 of 1,613,652 alleles (0.018%); highest among the groups gnomAD compares: South Asian, 0.27%; 2 homozygotes.

Submissions (3):

CeGaT Center for Human Genetics Tuebingen
Classification: Likely benign. Last evaluated: 2026-02-01. Review status: criteria provided, single submitter. Criteria: CeGaT Center For Human Genetics Tuebingen Variant Classification Criteria Version 2. Collection method: clinical testing. Allele origin: germline. Affected: yes. Observed: 1 variant allele.
Comment: TCIRG1: BP4

Labcorp Genetics (formerly Invitae), Labcorp
Classification: Likely benign. Last evaluated: 2026-01-11. Review status: criteria provided, single submitter. Criteria: Invitae Variant Classification Sherloc (09022015). Collection method: clinical testing. Allele origin: germline.

PreventionGenetics, part of Exact Sciences
Classification: Likely benign for TCIRG1-related condition. Last evaluated: 2025-09-03. Review status: criteria provided, single submitter. Criteria: ACMG Guidelines, 2015. Collection method: clinical testing. Allele origin: germline.
Comment: This variant is classified as likely benign based on ACMG/AMP sequence variant interpretation guidelines (Richards et al. 2015 PMID: 25741868, with internal and published modifications).

NM_006019.4(TCIRG1):c.2306C>T (p.Ala769Val)

Gene: TCIRG1 (T cell immune regulator 1, ATPase H+ transporting V0 subunit a3; plus strand). Cytogenetic location: 11q13.2.
Variant type: single nucleotide variant.
Coding change: c.2306C>T on transcript NM_006019.4 (MANE Select); coding-DNA position 2306, C replaced by T.
Protein change: p.Ala769Val; replaces alanine 769 with valine.
Molecular consequence: missense variant.
Genome position (GRCh38, 1-based): chr11:68,050,556, C>T. VCF-style: chr11-68050556-C-T. GRCh37 (hg19) VCF-style: chr11-67818023-C-T.
Other names: c.1412C>T, p.Ala471Val (NM_001351059.2); c.1658C>T, p.Ala553Val (NM_006053.4); c.2306C>T (NM_006019.3); short protein forms A471V, A553V, A769V.
Identifiers: ClinVar variation 1550283 (VCV001550283.13), dbSNP rs200683259, ClinGen allele CA6147493.
Genomic context (GRCh38, chr11:68,050,556, plus strand): 5'-AGGTTCTGTGGGCCATGGTGATGCGCATAGGCCTGGGCCTGGGCCGGGAGGTGGGCGTGG[C>T]GGCTGTGGTGCTGGTCCCCATCTTTGCCGCCTTTGCCGTGATGACCGTGGCTATCCTGCT-3'
Protein context (NP_006010.2, residues 759-779): GLGLGREVGV[Ala769Val]AVVLVPIFAA